The following is an entry in ClinVar:

NM_021783.5(EDA2R):c.620del (p.Asn207fs)

Gene: EDA2R (ectodysplasin A2 receptor; minus strand). Cytogenetic location: Xq12.
Variant type: Deletion.
Coding change: c.620del on transcript NM_021783.5 (MANE Select); coding-DNA position 620, one base deleted (A; older notation c.620delA).
Protein change: p.Asn207fs; shifts the reading frame from asparagine 207.
Molecular consequence: frameshift variant. On other transcripts: intron variant (3), non-coding transcript variant (2).
Genome position (GRCh38, 1-based): chrX:66,599,758, T deleted on the plus strand (A on the coding strand, the reverse complement: EDA2R is on the minus strand); the first of 2 consecutive T bases (chrX:66,599,758-66,599,759); deleting either gives the same sequence. VCF-style (leftmost placement, unchanged base first): chrX-66599757-GT-G. GRCh37 (hg19) VCF-style: chrX-65819599-GT-G.
Other names: c.237+11del (NM_001324202.2); c.312+11del (NM_001324205.2); c.318+11del (NM_001324204.2); c.620del, p.Asn207fs (NM_001199687.3); c.683del, p.Asn228fs (NM_001242310.1); c.248del, p.Asn83fs (NM_001324199.2); c.524del, p.Asn175fs (NM_001324201.2); c.626del, p.Asn209fs (NM_001324206.2); short protein forms N175fs, N207fs, N209fs, N228fs, N83fs.
Identifiers: ClinVar variation 3381213 (VCV003381213.2).

ClinVar aggregate classification (germline): Likely pathogenic (1 of 4 stars; one submission).

Conditions:
Hypodontia. Also called: Partial congenital absence of teeth; Tooth agenesis, selective. Identifiers: Orphanet 99798, MedGen C0020608, MONDO:0005486, HP:0000668. Disease mechanism: loss of function.

Submission:

Center of Excellence in Precision Medicine and Digital Health (CEPMDH), Faculty of Dentistry, Chulalongkorn University
Classification: Likely pathogenic for Hypodontia. Review status: criteria provided, single submitter. Criteria: ACMG Guidelines, 2015. Collection method: clinical testing. Allele origin: germline. Inheritance: X-linked recessive inheritance. Affected: yes and no. Observed: 2 variant alleles, 1 heterozygote, 1 hemizygote.
Comment: This variant was absent from population databases, including TOPMed, GenomeAsia, and our in-house database of Thai exomes. A frameshift mutation in EDA2R gene was previously reported in patients with with mild symptoms hypohidrotic ectodermal dysplasia (HED) including hypodontia and irregular shaped teeth (Wisniewski and Trzeciak, 2012). This variant was classified as likely pathogenic based on the ACMG Guidelines for variant interpretation and classification.